The following is an entry in ClinVar:

NM_001367561.1(DOCK7):c.6380G>A (p.Arg2127Lys)

Gene: DOCK7 (dedicator of cytokinesis 7; minus strand). Cytogenetic location: 1p31.3.
Variant type: single nucleotide variant.
Coding change: c.6380G>A on transcript NM_001367561.1 (MANE Select); coding-DNA position 6380, G replaced by A.
Protein change: p.Arg2127Lys; replaces arginine 2127 with lysine.
Molecular consequence: missense variant.
Genome position (GRCh38, 1-based): chr1:62,457,538, C>T on the plus strand (G>A on the coding strand, the complement: DOCK7 is on the minus strand). VCF-style: chr1-62457538-C-T. GRCh37 (hg19) VCF-style: chr1-62923209-C-T.
Other names: c.6347G>A, p.Arg2116Lys (NM_001271999.2); c.6260G>A, p.Arg2087Lys (NM_001272000.2); c.6254G>A, p.Arg2085Lys (NM_001272001.2); c.6353G>A, p.Arg2118Lys (NM_001330614.2); c.6287G>A, p.Arg2096Lys (NM_033407.4); short protein forms R2085K, R2096K, R2116K, R2118K, R2127K, R2087K.
Identifiers: ClinVar variation 2065499 (VCV002065499.2), dbSNP rs779747783, ClinGen allele CA885234.

ClinVar aggregate classification (germline): Uncertain significance (1 of 4 stars; one submission).

Conditions:
Developmental and epileptic encephalopathy, 23 (DEE23). Also called: Epileptic encephalopathy, early infantile, 23. Identifiers: Orphanet 411986, MedGen C4014492, MONDO:0014371, OMIM 615859.

gnomAD v4.1: 4 of 1,612,596 alleles (0.00025%); highest among the groups gnomAD compares: South Asian, 0.0011%; no homozygotes.

Submission:

Labcorp Genetics (formerly Invitae), Labcorp
Classification: Uncertain significance for Developmental and epileptic encephalopathy, 23. Last evaluated: 2023-11-27. Review status: criteria provided, single submitter. Criteria: Invitae Variant Classification Sherloc (09022015). Collection method: clinical testing. Allele origin: germline.
Comment: This sequence change affects codon 2116 of the DOCK7 mRNA. It is a 'silent' change, meaning that it does not change the encoded amino acid sequence of the DOCK7 protein. This variant also falls at the last nucleotide of exon 48, which is part of the consensus splice site for this exon. This variant is present in population databases (rs779747783, gnomAD 0.01%). This variant has not been reported in the literature in individuals affected with DOCK7-related conditions. ClinVar contains an entry for this variant (Variation ID: 2065499). An algorithm developed to predict the effect of missense changes on protein structure and function (PolyPhen-2) suggests that this variant¬†is likely to be tolerated. Variants that disrupt the consensus splice site are a relatively common cause of aberrant splicing (PMID: 17576681, 9536098). In summary, the available evidence is currently insufficient to determine the role of this variant in disease. Therefore, it has been classified as a Variant of Uncertain Significance.

Literature cited by the submitters: PubMed 17576681; PubMed 9536098.